The following is an entry in ClinVar:

NM_004055.5(CAPN5):c.1826C>G (p.Thr609Ser)

Gene: CAPN5 (calpain 5; plus strand). Cytogenetic location: 11q13.5.
Variant type: single nucleotide variant.
Coding change: c.1826C>G on transcript NM_004055.5 (MANE Select); coding-DNA position 1826, C replaced by G.
Protein change: p.Thr609Ser; replaces threonine 609 with serine.
Molecular consequence: missense variant.
Genome position (GRCh38, 1-based): chr11:77,123,773, C>G. VCF-style: chr11-77123773-C-G. GRCh37 (hg19) VCF-style: chr11-76834819-C-G.
Other names: short protein forms T609S.
Identifiers: ClinVar variation 942491 (VCV000942491.8), dbSNP rs781953780, ClinGen allele CA381945382.

ClinVar aggregate classification (germline): Uncertain significance. Review status: criteria provided, multiple submitters, no conflicts (2 of 4 stars). 2 submissions from 2 submitters: Uncertain significance (2). Last evaluated 2024-12-23.

Conditions:
Inborn genetic diseases. Identifiers: MedGen C0950123, MeSH D030342.

gnomAD v4.1: 2 of 1,613,956 alleles (0.00012%); no homozygotes.

Submissions (2):

Ambry Genetics
Classification: Uncertain significance for Inborn genetic diseases. Last evaluated: 2024-12-23. Review status: criteria provided, single submitter. Criteria: Ambry Variant Classification Scheme 2023. Collection method: clinical testing. Allele origin: germline.

Labcorp Genetics (formerly Invitae), Labcorp
Classification: Uncertain significance. Last evaluated: 2024-11-11. Review status: criteria provided, single submitter. Criteria: Invitae Variant Classification Sherloc (09022015). Collection method: clinical testing. Allele origin: germline.
Comment: This sequence change replaces threonine, which is neutral and polar, with serine, which is neutral and polar, at codon 609 of the CAPN5 protein (p.Thr609Ser). This variant is not present in population databases (gnomAD no frequency). This variant has not been reported in the literature in individuals affected with CAPN5-related conditions. ClinVar contains an entry for this variant (Variation ID: 942491). An algorithm developed to predict the effect of missense changes on protein structure and function (PolyPhen-2) suggests that this variant is likely to be tolerated. In summary, the available evidence is currently insufficient to determine the role of this variant in disease. Therefore, it has been classified as a Variant of Uncertain Significance.